The following is an entry in ClinVar:

ClinVar aggregate classification (germline): Uncertain significance (1 of 4 stars; one submission).

gnomAD v4.1: 7 of 1,613,970 alleles (0.00043%); highest among the groups gnomAD compares: African/African-American, 0.0027%; no homozygotes.

Submission:

Labcorp Genetics (formerly Invitae), Labcorp
Classification: Uncertain significance. Last evaluated: 2025-03-19. Review status: criteria provided, single submitter. Criteria: Invitae Variant Classification Sherloc (09022015). Collection method: clinical testing. Allele origin: germline.
Comment: This sequence change replaces lysine, which is basic and polar, with glutamic acid, which is acidic and polar, at codon 1452 of the MYH3 protein (p.Lys1452Glu). This variant is not present in population databases (gnomAD no frequency). This variant has not been reported in the literature in individuals affected with MYH3-related conditions. An algorithm developed to predict the effect of missense changes on protein structure and function (PolyPhen-2) suggests that this variant is likely to be tolerated. In summary, the available evidence is currently insufficient to determine the role of this variant in disease. Therefore, it has been classified as a Variant of Uncertain Significance.

NM_002470.4(MYH3):c.4354A>G (p.Lys1452Glu)

Gene: MYH3 (myosin heavy chain 3; minus strand). Cytogenetic location: 17p13.1.
Variant type: single nucleotide variant.
Coding change: c.4354A>G on transcript NM_002470.4 (MANE Select); coding-DNA position 4354, A replaced by G.
Protein change: p.Lys1452Glu; replaces lysine 1452 with glutamic acid.
Molecular consequence: missense variant.
Genome position (GRCh38, 1-based): chr17:10,634,842, T>C on the plus strand (A>G on the coding strand, the complement: MYH3 is on the minus strand). VCF-style: chr17-10634842-T-C. GRCh37 (hg19) VCF-style: chr17-10538159-T-C.
Other names: short protein forms K1452E.
Identifiers: ClinVar variation 3641507 (VCV003641507.2).